The following is an entry in ClinVar:

ClinVar aggregate classification (germline): Conflicting classifications of pathogenicity. Review status: criteria provided, conflicting classifications (1 of 4 stars). 5 submissions from 5 submitters: Uncertain significance (4); Benign (1). Last evaluated 2024-10-18.

Conditions:
Juvenile myelomonocytic leukemia (JMML). Also called: LEUKEMIA, JUVENILE MYELOMONOCYTIC, SOMATIC. Identifiers: Orphanet 86834, MedGen C0349639, MONDO:0011908, OMIM 607785, HP:0012209.
Neurofibromatosis, type 1 (NF1). Also called: VON RECKLINGHAUSEN DISEASE; NEUROFIBROMATOSIS, TYPE I, SOMATIC; Peripheral type neurofibromatosis; Neurofibromatosis, type I. Identifiers: Orphanet 636, MedGen C0027831, MONDO:0018975, OMIM 162200. Disease mechanism: loss of function.
Ovarian cancer. Also called: OVARIAN CANCER, SOMATIC. Identifiers: Orphanet 213500, MedGen C1140680, MONDO:0008170, OMIM 167000.

gnomAD v4.1: 1 of 1,613,674 alleles (0.000062%); highest among the groups gnomAD compares: Non-Finnish European, 0.000085%; no homozygotes.

Submissions (5):

Blueprint Genetics
Classification: Uncertain significance. Last evaluated: 2024-10-18. Review status: criteria provided, single submitter. Criteria: ACMG Guidelines, 2015. Collection method: clinical testing. Allele origin: germline.

CeGaT Center for Human Genetics Tuebingen
Classification: Uncertain significance. Last evaluated: 2024-06-01. Review status: criteria provided, single submitter. Criteria: CeGaT Center For Human Genetics Tuebingen Variant Classification Criteria Version 2. Collection method: clinical testing. Allele origin: germline. Affected: yes. Observed: 1 variant allele.
Comment: NF1: PM2, BP1

Baylor Genetics
Classification: Uncertain significance for Juvenile myelomonocytic leukemia. Last evaluated: 2024-03-13. Review status: criteria provided, single submitter. Criteria: ACMG Guidelines, 2015. Collection method: clinical testing. Allele origin: unknown.

Labcorp Genetics (formerly Invitae), Labcorp
Classification: Uncertain significance for Neurofibromatosis, type 1. Last evaluated: 2022-09-27. Review status: criteria provided, single submitter. Criteria: Invitae Variant Classification Sherloc (09022015). Collection method: clinical testing. Allele origin: germline.
Comment: In summary, the available evidence is currently insufficient to determine the role of this variant in disease. Therefore, it has been classified as a Variant of Uncertain Significance. Algorithms developed to predict the effect of missense changes on protein structure and function (SIFT, PolyPhen-2, Align-GVGD) all suggest that this variant is likely to be tolerated. ClinVar contains an entry for this variant (Variation ID: 1062323). This variant has not been reported in the literature in individuals affected with NF1-related conditions. This variant is not present in population databases (gnomAD no frequency). This sequence change replaces threonine, which is neutral and polar, with isoleucine, which is neutral and non-polar, at codon 1295 of the NF1 protein (p.Thr1295Ile).

Laboratory of Molecular Epidemiology of Birth Defects, West China Second University Hospital, Sichuan University
Classification: Benign for Ovarian cancer. Last evaluated: 2022-01-01. Review status: criteria provided, single submitter. Criteria: ACMG Guidelines, 2015. Collection method: clinical testing. Allele origin: germline. Affected: yes.

NM_001042492.3(NF1):c.3884C>T (p.Thr1295Ile)

Gene: NF1 (neurofibromin 1; plus strand). Cytogenetic location: 17q11.2.
Variant type: single nucleotide variant.
Coding change: c.3884C>T on transcript NM_001042492.3 (MANE Select); coding-DNA position 3884, C replaced by T.
Protein change: p.Thr1295Ile; replaces threonine 1295 with isoleucine.
Molecular consequence: missense variant.
Genome position (GRCh38, 1-based): chr17:31,235,931, C>T. VCF-style: chr17-31235931-C-T. GRCh37 (hg19) VCF-style: chr17-29562949-C-T.
Other names: c.3884C>T, p.Thr1295Ile (NM_000267.4); short protein forms T1295I.
Identifiers: ClinVar variation 1062323 (VCV001062323.26), dbSNP rs2151438517, ClinGen allele CA398993026.
Genomic context (GRCh38, chr17:31,235,931, plus strand): 5'-AATATATGGAGCAGGTATAATAAACTCCTATTCGTGCATTTCTGTAGGTATATGGTGCTA[C>T]CTATCTACAAAAACTCCTGGATCCTTTATTACGAATTGTGATCACATCCTCTGATTGGCA-3'
Protein context (NP_001035957.1, residues 1285-1305): MTFCFKVYGA[Thr1295Ile]YLQKLLDPLL